The following is an entry in ClinVar:

ClinVar aggregate classification (germline): Pathogenic (1 of 4 stars; one submission).

Conditions:
Fabry disease. Also called: Fabry's disease; ALPHA-GALACTOSIDASE A DEFICIENCY; ANDERSON-FABRY DISEASE; CERAMIDE TRIHEXOSIDASE DEFICIENCY; GLA DEFICIENCY; HEREDITARY DYSTOPIC LIPIDOSIS. Identifiers: Orphanet 324, MedGen C0002986, MONDO:0010526, OMIM 301500, HP:0001071. Disease mechanism: Fabry disease is due to inactivating mutations in the X-linked GLA gene resulting in deficiency of the enzyme Alpha Galactosidase-A., loss of function.

Submission:

Genomenon, Inc
Classification: Pathogenic for Fabry disease. Last evaluated: 2025-09-15. Review status: criteria provided, single submitter. Criteria: Genomenon Sequence Variant Interpretation Standards. Collection method: curation. Allele origin: germline. Affected: yes.
Comment: GLA p.Gly360ValfsTer15 (c.1078_1079insT) is a frameshift variant that results in the production of a truncated protein. This variant has been observed in at least one proband affected with Fabry disease (PMID: 22551898; 38202225). It is absent or not present at a significant frequency in gnomAD. In conclusion, we classify GLA p.Gly360ValfsTer15 (c.1078_1079insT) as a pathogenic variant.

Literature cited by the submitters: PubMed 22551898; PubMed 38202225.

NM_000169.3(GLA):c.1078_1079insT (p.Gly360fs)

Genes: GLA (galactosidase alpha; minus strand), RPL36A-HNRNPH2 (RPL36A-HNRNPH2 readthrough; plus strand). Cytogenetic location: Xq22.1.
Variant type: Insertion.
Coding change: c.1078_1079insT on transcript NM_000169.3 (MANE Select); coding-DNA positions 1078 to 1079, T inserted.
Protein change: p.Gly360fs; shifts the reading frame from glycine 360.
Molecular consequence: frameshift variant. On other transcripts: non-coding transcript variant (3), intron variant (2).
Genome position: GRCh38 VCF-style: chrX-101398020-C-CA. GRCh37 (hg19) VCF-style: chrX-100653008-C-CA.
Other names: c.1201_1202insT, p.Gly401fs (NM_001406747.1); c.300+2563_300+2564insA (NM_001199973.2); c.177+6198_177+6199insA (NM_001199974.2); short protein forms G360fs, G401fs.
Identifiers: ClinVar variation 4087051 (VCV004087051.1).